The following is an entry in ClinVar:

ClinVar aggregate classification (germline): Pathogenic. Review status: criteria provided, multiple submitters, no conflicts (2 of 4 stars). 4 submissions from 4 submitters: Pathogenic (4). Last evaluated 2024-10-03.

Conditions:
Multiple acyl-CoA dehydrogenase deficiency (MADD). Also called: ETHYLMALONIC-ADIPICACIDURIA; GA II; Glutaric Acidemia type 2; Glutaric aciduria, type 2; Glutaric acidemia type II; GA 2. Identifiers: Orphanet 26791, MedGen C0268596, MONDO:0009282, OMIM 231680.
Glutaric acidemia type 2C.

Allele frequency attached by ClinVar (database versions not stated): gnomAD 0.00001; gnomAD exomes 0.00001; TOPMed 0.00002.
gnomAD v4.1: 9 of 1,573,374 alleles (0.00057%); highest among the groups gnomAD compares: Non-Finnish European, 0.0007%; no homozygotes.

Submissions (4):

Labcorp Genetics (formerly Invitae), Labcorp
Classification: Pathogenic for Multiple acyl-CoA dehydrogenase deficiency. Last evaluated: 2024-10-03. Review status: criteria provided, single submitter. Criteria: Invitae Variant Classification Sherloc (09022015). Collection method: clinical testing. Allele origin: germline.
Comment: This sequence change affects a donor splice site in intron 12 of the ETFDH gene. RNA analysis indicates that disruption of this splice site induces altered splicing and likely results in a shortened protein product. This variant is not present in population databases (gnomAD no frequency). Disruption of this splice site has been observed in individual(s) with Multiple Acyl-CoA dehydrogenase deficiency (PMID: 7757062). ClinVar contains an entry for this variant (Variation ID: 529451). Algorithms developed to predict the effect of variants on gene product structure and function are not available or were not evaluated for this variant. Experimental studies have shown that disruption of this splice site affects ETFDH function (PMID: 7757062). Variants that disrupt the consensus splice site are a relatively common cause of aberrant splicing (PMID: 17576681, 9536098). Studies have shown that disruption of this splice site results in skipping of exon 12, but is expected to preserve the integrity of the reading-frame (PMID: 7757062). This variant disrupts the p.Pro534 amino acid residue in ETFDH. Other variant(s) that disrupt this residue have been determined to be pathogenic (PMID: 18289905, 21088898, 22664151; internal data). This suggests that this residue is clinically significant, and that variants that disrupt this residue are likely to be disease-causing. For these reasons, this variant has been classified as Pathogenic.

Natera, Inc.
Classification: Pathogenic for Glutaric acidemia type 2C. Last evaluated: 2024-03-15. Review status: criteria provided, single submitter. Criteria: Natera Variant Classification Schema (03/2026). Collection method: clinical testing. Allele origin: germline.
Comment: The c.1690+1G>T variant in ETFDH is a canonical splice donor site variant predicted to affect pre-mRNA splicing, which may result in an abnormal transcript and altered protein product. This variant is expected to result in nonsense mediated decay, truncation, or a dysfunctional protein product. This variant is rare in the general population with a frequency below the threshold expected for the associated phenotype(s). This variant has been observed in one or more individuals affected with the associated recessive disease, as either homozygous or compound heterozygous with a second variant (PMID: 7757062). Functional studies show that this variant may disrupt protein function (PMID: 7757062). Given the available evidence, this variant is classified as Pathogenic.

Baylor Genetics
Classification: Pathogenic for Multiple acyl-CoA dehydrogenase deficiency. Last evaluated: 2024-01-10. Review status: criteria provided, single submitter. Criteria: ACMG Guidelines, 2015. Collection method: clinical testing. Allele origin: unknown.

Women's Health and Genetics/Laboratory Corporation of America, LabCorp
Classification: Pathogenic for Multiple acyl-CoA dehydrogenase deficiency. Last evaluated: 2023-04-24. Review status: criteria provided, single submitter. Criteria: LabCorp Variant Classification Summary - May 2015. Collection method: clinical testing. Allele origin: germline.
Comment: Variant summary: ETFDH c.1690+1G>T is located in a canonical splice-site and is predicted to affect mRNA splicing resulting in a significantly altered protein due to either exon skipping, shortening, or inclusion of intronic material. Several computational tools predict a significant impact on normal splicing: Four predict the variant abolishes a 5' splicing donor site, with additional functional studies suggesting the variant results in skipping of exon 12 in the 4Fe-4S ferredoxin-type, iron-sulphur binding domain (example: Beard_1995). The variant was absent in 249914 control chromosomes. c.1690+1G>T has been reported in the literature in compound heterozygous individuals affected with Glutaric Aciduria, Type 2c (examples: Beard_1995, Goodman_2002). At least one publication reports experimental evidence evaluating an impact on protein function. The most pronounced variant effect results in <10% of normal activity (Beard_1995). One clinical diagnostic laboratory has submitted clinical-significance assessments for this variant to ClinVar after 2014 without evidence for independent evaluation, classifying the variant as pathogenic. Based on the evidence outlined above, the variant was classified as pathogenic.

Literature cited by the submitters: PubMed 7757062 (cited by 3 submitters); PubMed 17576681 (cited by Labcorp Genetics (formerly Invitae), Labcorp); PubMed 9536098 (cited by Labcorp Genetics (formerly Invitae), Labcorp); PubMed 18289905 (cited by Labcorp Genetics (formerly Invitae), Labcorp); PubMed 21088898 (cited by Labcorp Genetics (formerly Invitae), Labcorp); PubMed 22664151 (cited by Labcorp Genetics (formerly Invitae), Labcorp); PubMed 12359134 (cited by Women's Health and Genetics/Laboratory Corporation of America, LabCorp).

NM_004453.4(ETFDH):c.1690+1G>T

Gene: ETFDH (electron transfer flavoprotein dehydrogenase; plus strand). Cytogenetic location: 4q32.1.
Variant type: single nucleotide variant.
Coding change: c.1690+1G>T on transcript NM_004453.4 (MANE Select); the canonical splice donor site of the intron after coding-DNA position 1690, G replaced by T.
Molecular consequence: splice donor variant.
Genome position (GRCh38, 1-based): chr4:158,706,851, G>T. VCF-style: chr4-158706851-G-T. GRCh37 (hg19) VCF-style: chr4-159628003-G-T.
Other names: c.1549+1G>T (NM_001281737.2); c.1507+1G>T (NM_001281738.1).
Identifiers: ClinVar variation 529451 (VCV000529451.14), dbSNP rs917285990, ClinGen allele CA108819497.